The following is an entry in ClinVar:

NM_000208.4(INSR):c.*4422G>T

Gene: INSR (insulin receptor; minus strand). Cytogenetic location: 19p13.2.
Variant type: single nucleotide variant.
Coding change: c.*4422G>T on transcript NM_000208.4 (MANE Select); 4422 bases downstream of the stop codon, G replaced by T.
Molecular consequence: 3 prime UTR variant.
Genome position (GRCh38, 1-based): chr19:7,112,634, C>A on the plus strand (G>T on the coding strand, the complement: INSR is on the minus strand). VCF-style: chr19-7112634-C-A. GRCh37 (hg19) VCF-style: chr19-7112645-C-A.
Other names: c.*4422G>T (NM_001079817.3).
Identifiers: ClinVar variation 330349 (VCV000330349.6), dbSNP rs12642, ClinGen allele CA10643363.

ClinVar aggregate classification (germline): Benign. Review status: criteria provided, multiple submitters, no conflicts (2 of 4 stars). 4 submissions from 2 submitters: Benign (4). Last evaluated 2018-01-13.

Conditions:
Leprechaunism syndrome. Also called: Donohue syndrome; LEPRECHAUNISM. Identifiers: Orphanet 508, MedGen C0265344, MONDO:0009517, OMIM 246200.
Rabson-Mendenhall syndrome. Also called: MENDENHALL SYNDROME; Pineal Hyperplasia, Insulin-Resistant Diabetes Mellitus, and Somatic Abnormalities; Pineal hyperplasia AND diabetes mellitus syndrome. Identifiers: Orphanet 769, MedGen C0271695, MONDO:0009874, OMIM 262190.
Insulin-resistant diabetes mellitus AND acanthosis nigricans. Also called: Insulin-resistance syndrome type A; INSULIN RECEPTOR, DEFECT IN, WITH INSULIN-RESISTANT DIABETES MELLITUS AND ACANTHOSIS NIGRICANS; IRAN, TYPE A; type A insulin resistance; DIABETES MELLITUS, INSULIN-RESISTANT, WITH ACANTHOSIS NIGRICANS, TYPE A. Identifiers: Orphanet 2297, MedGen C0342278, MONDO:0012520, OMIM 610549.

Allele frequency attached by ClinVar (database versions not stated): TOPMed 0.10183; gnomAD 0.10462 and 0.10870; 1000 Genomes Project 30x 0.12055; 1000 Genomes Project 0.12480; gnomAD exomes 0.25000.
gnomAD v4.1: 16,647 of 152,132 alleles (11%); highest among the groups gnomAD compares: Middle Eastern, 19%; 1,131 homozygotes.

Submissions (4):

Illumina Laboratory Services, Illumina
Classification: Benign for Leprechaunism syndrome. Last evaluated: 2018-01-13. Review status: criteria provided, single submitter. Criteria: ICSL Variant Classification Criteria 13 December 2019. Collection method: clinical testing. Allele origin: germline.
Comment: This variant was observed in the ICSL laboratory as part of a predisposition screen in an ostensibly healthy population. It had not been previously curated by ICSL or reported in the Human Gene Mutation Database (HGMD: prior to June 1st, 2018), and was therefore a candidate for classification through an automated scoring system. Utilizing variant allele frequency, disease prevalence and penetrance estimates, and inheritance mode, an automated score was calculated to assess if this variant is too frequent to cause the disease. Based on the score and internal cut-off values, a variant classified as benign is not then subjected to further curation. The score for this variant resulted in a classification of benign for this disease.

Illumina Laboratory Services, Illumina
Classification: Benign for Rabson-Mendenhall syndrome. Last evaluated: 2018-01-13. Review status: criteria provided, single submitter. Criteria: ICSL Variant Classification Criteria 13 December 2019. Collection method: clinical testing. Allele origin: germline.
Comment: the same text as in the submission from Illumina Laboratory Services, Illumina above.

Illumina Laboratory Services, Illumina
Classification: Benign for Insulin-resistant diabetes mellitus AND acanthosis nigricans. Last evaluated: 2018-01-13. Review status: criteria provided, single submitter. Criteria: ICSL Variant Classification Criteria 13 December 2019. Collection method: clinical testing. Allele origin: germline.
Comment: the same text as in the submission from Illumina Laboratory Services, Illumina above.

Breakthrough Genomics
Classification: Benign. Review status: criteria provided, single submitter. Criteria: ACMG Guidelines, 2015. Collection method: not provided. Allele origin: germline. Inheritance: Autosomal recessive inheritance. Affected: yes.